The following is an entry in ClinVar:

NM_020366.4(RPGRIP1):c.821T>G (p.Val274Gly)

Gene: RPGRIP1 (RPGR interacting protein 1; plus strand). Cytogenetic location: 14q11.2.
Variant type: single nucleotide variant.
Coding change: c.821T>G on transcript NM_020366.4 (MANE Select); coding-DNA position 821, T replaced by G.
Protein change: p.Val274Gly; replaces valine 274 with glycine.
Molecular consequence: missense variant.
Genome position (GRCh38, 1-based): chr14:21,307,751, T>G. VCF-style: chr14-21307751-T-G. GRCh37 (hg19) VCF-style: chr14-21775910-T-G.
Other names: short protein forms V274G.
Identifiers: ClinVar variation 1305538 (VCV001305538.2), dbSNP rs927347968, ClinGen allele CA257496707.

ClinVar aggregate classification (germline): Uncertain significance (1 of 4 stars; one submission).

Allele frequency attached by ClinVar (database versions not stated): TOPMed below 0.00001; gnomAD exomes 0.00001.
gnomAD v4.1: 15 of 1,563,558 alleles (0.00096%); highest among the groups gnomAD compares: Non-Finnish European, 0.0013%; no homozygotes.

Submission:

GeneDx
Classification: Uncertain significance. Last evaluated: 2019-05-03. Review status: criteria provided, single submitter. Criteria: GeneDx Variant Classification Process June 2021. Collection method: clinical testing. Allele origin: germline. Affected: yes.
Comment: Not observed in large population cohorts (Lek et al., 2016); In silico analysis, which includes protein predictors and evolutionary conservation, supports a deleterious effect; Has not been previously published as pathogenic or benign to our knowledge